The following is an entry in ClinVar:

ClinVar aggregate classification (germline): Uncertain significance (1 of 4 stars; one submission).

Submission:

Labcorp Genetics (formerly Invitae), Labcorp
Classification: Uncertain significance. Last evaluated: 2024-11-13. Review status: criteria provided, single submitter. Criteria: Invitae Variant Classification Sherloc (09022015). Collection method: clinical testing. Allele origin: germline.
Comment: This sequence change replaces proline, which is neutral and non-polar, with serine, which is neutral and polar, at codon 575 of the OPHN1 protein (p.Pro575Ser). This variant is not present in population databases (gnomAD no frequency). This variant has not been reported in the literature in individuals affected with OPHN1-related conditions. An algorithm developed to predict the effect of missense changes on protein structure and function (PolyPhen-2) suggests that this variant is likely to be disruptive. In summary, the available evidence is currently insufficient to determine the role of this variant in disease. Therefore, it has been classified as a Variant of Uncertain Significance.

NM_002547.3(OPHN1):c.1723C>T (p.Pro575Ser)

Gene: OPHN1 (oligophrenin 1; minus strand). Cytogenetic location: Xq12.
Variant type: single nucleotide variant.
Coding change: c.1723C>T on transcript NM_002547.3 (MANE Select); coding-DNA position 1723, C replaced by T.
Protein change: p.Pro575Ser; replaces proline 575 with serine.
Molecular consequence: missense variant.
Genome position (GRCh38, 1-based): chrX:68,073,263, G>A on the plus strand (C>T on the coding strand, the complement: OPHN1 is on the minus strand). VCF-style: chrX-68073263-G-A. GRCh37 (hg19) VCF-style: chrX-67293105-G-A.
Other names: short protein forms P575S.
Identifiers: ClinVar variation 3725190 (VCV003725190.2).
Genomic context (GRCh38, chrX:68,073,263, plus strand): 5'-AGCGCTTTGAAATCGTGATTGGTTTGTGCCTTCTTGCTGTCACCCGAGGCGGAGGCACTG[G>A]CGGTGCAGCGCTTTCCTCAGGTGGACCTAAATAGATCTGTGGAGAAAGAAGGAAGATATC-3'
Protein context (NP_002538.1, residues 565-585): LGPPEESAAP[Pro575Ser]VPPPRVTARR